The following is an entry in ClinVar:

NM_022437.3(ABCG8):c.562G>C (p.Val188Leu)

Gene: ABCG8 (ATP binding cassette subfamily G member 8; plus strand). Cytogenetic location: 2p21.
Variant type: single nucleotide variant.
Coding change: c.562G>C on transcript NM_022437.3 (MANE Select); coding-DNA position 562, G replaced by C.
Protein change: p.Val188Leu; replaces valine 188 with leucine.
Molecular consequence: missense variant.
Genome position (GRCh38, 1-based): chr2:43,852,354, G>C. VCF-style: chr2-43852354-G-C. GRCh37 (hg19) VCF-style: chr2-44079493-G-C.
Other names: c.562G>C, p.Val188Leu (NM_001357321.2); c.562G>C (NM_022437.2); short protein forms V188L.
Identifiers: ClinVar variation 2663799 (VCV002663799.3), dbSNP rs767597558, ClinGen allele CA46441180.

ClinVar aggregate classification (germline): Uncertain significance. Review status: criteria provided, multiple submitters, no conflicts (2 of 4 stars). 2 submissions from 2 submitters: Uncertain significance (2). Last evaluated 2025-07-12.

Conditions:
Premature coronary artery atherosclerosis. Identifiers: MedGen C1867743, HP:0005181.
Cardiovascular phenotype. Identifiers: MedGen CN230736.

Allele frequency attached by ClinVar (database versions not stated): TOPMed below 0.00001; gnomAD 0.00001.
gnomAD v4.1: 8 of 1,612,184 alleles (0.0005%); highest among the groups gnomAD compares: East Asian, 0.0045%; no homozygotes.

Submissions (2):

Ambry Genetics
Classification: Uncertain significance for Cardiovascular phenotype. Last evaluated: 2025-07-12. Review status: criteria provided, single submitter. Criteria: Ambry Variant Classification Scheme 2023. Collection method: clinical testing. Allele origin: germline.
Comment: The p.V188L variant (also known as c.562G>C) is located in coding exon 5 of the ABCG8 gene. The valine at codon 188 is replaced by leucine, an amino acid with highly similar properties. This change occurs in the first base pair of coding exon 5. This amino acid position is conserved. In addition, the in silico prediction for this alteration is inconclusive. Based on the available evidence, the clinical significance of this variant remains unclear.

Genetics Research Center, University of Social Welfare and Rehabilitation Sciences
Classification: Uncertain significance for Premature coronary artery atherosclerosis. Last evaluated: 2023-11-22. Review status: criteria provided, single submitter. Criteria: ACMG Guidelines, 2015. Collection method: research. Allele origin: germline. Affected: yes. Observed: 5 variant alleles.